The following is an entry in ClinVar:

NM_001164508.2(NEB):c.20672T>G (p.Leu6891Arg)

Gene: NEB (nebulin; minus strand). Cytogenetic location: 2q23.3.
Variant type: single nucleotide variant.
Coding change: c.20672T>G on transcript NM_001164508.2 (MANE Select); coding-DNA position 20672, T replaced by G.
Protein change: p.Leu6891Arg; replaces leucine 6891 with arginine.
Molecular consequence: missense variant.
Genome position (GRCh38, 1-based): chr2:151,541,457, A>C on the plus strand (T>G on the coding strand, the complement: NEB is on the minus strand). VCF-style: chr2-151541457-A-C. GRCh37 (hg19) VCF-style: chr2-152397971-A-C.
Other names: c.20672T>G, p.Leu6891Arg (NM_001164507.2, NM_001271208.2); c.15569T>G, p.Leu5190Arg (NM_004543.5); short protein forms L5190R, L6891R.
Identifiers: ClinVar variation 3343665 (VCV003343665.1).

ClinVar aggregate classification (germline): Uncertain significance (1 of 4 stars; one submission).

gnomAD v4.1: 1 of 1,611,982 alleles (0.000062%); highest among the groups gnomAD compares: Non-Finnish European, 0.000085%; no homozygotes.

Submission:

GeneDx
Classification: Uncertain significance. Last evaluated: 2023-05-21. Review status: criteria provided, single submitter. Criteria: GeneDx Variant Classification Process June 2021. Collection method: clinical testing. Allele origin: germline. Affected: yes.
Comment: Not observed at significant frequency in large population cohorts (gnomAD); In silico analysis supports that this missense variant has a deleterious effect on protein structure/function; Has not been previously published as pathogenic or benign to our knowledge